The following is an entry in ClinVar:

ClinVar aggregate classification (germline): Likely pathogenic. Review status: criteria provided, multiple submitters, no conflicts (2 of 4 stars). 2 submissions from 2 submitters: Likely pathogenic (2). Last evaluated 2023-08-24.

Conditions:
Retinitis pigmentosa with or without situs inversus. Also called: Retinitis pigmentosa 82; Retinitis pigmentosa 82 with or without situs inversus. Identifiers: Orphanet 791, MedGen C4747737, MONDO:0014186, OMIM 615434.

Allele frequency attached by ClinVar (database versions not stated): gnomAD exomes below 0.00001 and 0.00001; gnomAD 0.00001; TOPMed 0.00001; ExAC 0.00002.
gnomAD v4.1: 7 of 1,613,374 alleles (0.00043%); highest among the groups gnomAD compares: South Asian, 0.0044%; no homozygotes.

Submissions (2):

Labcorp Genetics (formerly Invitae), Labcorp
Classification: Likely pathogenic. Last evaluated: 2023-08-24. Review status: criteria provided, single submitter. Criteria: Invitae Variant Classification Sherloc (09022015). Collection method: clinical testing. Allele origin: germline.
Comment: In summary, the currently available evidence indicates that the variant is pathogenic, but additional data are needed to prove that conclusively. Therefore, this variant has been classified as Likely Pathogenic. Variants that disrupt the consensus splice site are a relatively common cause of aberrant splicing (PMID: 17576681, 9536098). Studies have shown that this variant is associated with altered splicing resulting in multiple RNA products (PMID: 34906502). ClinVar contains an entry for this variant (Variation ID: 1064633). This variant has been observed in individuals with retinitis pigmentosa (PMID: 34906502; Invitae). This variant is present in population databases (rs751471386, gnomAD 0.01%). This sequence change falls in intron 4 of the ARL2BP gene. It does not directly change the encoded amino acid sequence of the ARL2BP protein. It affects a nucleotide within the consensus splice site.

Kids Neuroscience Centre, Sydney Children's Hospitals Network
Classification: Likely pathogenic for Retinitis pigmentosa with or without situs inversus. Review status: criteria provided, single submitter. Criteria: Bournazos AM et al. (Genet Med 2021). Collection method: clinical testing. Allele origin: unknown. Inheritance: Autosomal recessive inheritance. Affected: yes. Observed: 1 homozygote.
Comment: All abnormal splicing events detected induce a frameshift and premature termination codon: (1) Exon 4 skipping (r.208_293del). This event causes a frameshift encoding 2 missense amino acids and a premature termination codon (p.(Ile70Alafs*3)). These transcripts are predicted to be targeted by nonsensemediated decay (NMD). Any mis-spliced transcripts that escape NMD encode ARL2BP protein lacking 94 amino acids from the C-terminus, including 64 residues from the ADP ribosylation factor-like 2 binding domain, (2) Intron 4 retention (r.293_294ins[293+1_294-1]). This event causes a frameshift encoding a premature termination codon (p.(His99*)). These transcripts are predicted to be targeted by nonsense-mediated decay. Any mis-spliced transcripts that escape NMD encode ARL2BP protein lacking 67 amino acids from the Cterminus, including 37 residues from the ADP ribosylation factor-like 2 binding domain, (3) Exon 4 skipping and insertion of a pseudoexon (r.208_293delins[293+63_293+260]). This event causes a frameshift encoding a premature termination codon (p.(Ile70Alafs*18). These transcripts are predicted to be targeted by nonsense-mediated decay. Any mis-spliced transcripts that escape NMD encode ARL2BP protein lacking 94 amino acids from the C-terminus, including 64 residues from the ADP ribosylation factor-like 2 binding domain.

Literature cited by the submitters: PubMed 17576681 (cited by Labcorp Genetics (formerly Invitae), Labcorp); PubMed 9536098 (cited by Labcorp Genetics (formerly Invitae), Labcorp); PubMed 34906502 (cited by Labcorp Genetics (formerly Invitae), Labcorp).

NM_012106.4(ARL2BP):c.293+5G>A

Gene: ARL2BP (ARF like GTPase 2 binding protein; plus strand). Cytogenetic location: 16q13.
Variant type: single nucleotide variant.
Coding change: c.293+5G>A on transcript NM_012106.4 (MANE Select); 5 bases into the intron after coding-DNA position 293, G replaced by A.
Molecular consequence: intron variant.
Genome position (GRCh38, 1-based): chr16:57,249,857, G>A. VCF-style: chr16-57249857-G-A. GRCh37 (hg19) VCF-style: chr16-57283769-G-A.
Identifiers: ClinVar variation 1064633 (VCV001064633.9), dbSNP rs751471386, ClinGen allele CA8074911.
Genomic context (GRCh38, chr16:57,249,857, plus strand): 5'-CAGCTGCTGCAGCGGATTCCTGAGTTCAACATGGCAGCCTTCACCACAACATTACAGTGA[G>A]TTGAGCTTGACTGATTTTTGTGTTTTGTTTTGTTTTCTCACTTTCTTCCTTCCCTAGGCT-3'